The following is an entry in ClinVar:

ClinVar aggregate classification (germline): Uncertain significance (1 of 4 stars; one submission).

gnomAD v4.1: 8 of 1,613,672 alleles (0.0005%); highest among the groups gnomAD compares: Non-Finnish European, 0.00068%; no homozygotes.

Submission:

GeneDx
Classification: Uncertain significance. Last evaluated: 2024-08-05. Review status: criteria provided, single submitter. Criteria: GeneDx Variant Classification Process June 2021. Collection method: clinical testing. Allele origin: germline. Affected: yes.
Comment: Not observed at significant frequency in large population cohorts (gnomAD); In silico analysis supports that this missense variant has a deleterious effect on protein structure/function; Has not been previously published as pathogenic or benign to our knowledge

NM_006265.3(RAD21):c.1046C>T (p.Thr349Ile)

Gene: RAD21 (RAD21 cohesin complex component; minus strand). Cytogenetic location: 8q24.11.
Variant type: single nucleotide variant.
Coding change: c.1046C>T on transcript NM_006265.3 (MANE Select); coding-DNA position 1046, C replaced by T.
Protein change: p.Thr349Ile; replaces threonine 349 with isoleucine.
Molecular consequence: missense variant.
Genome position (GRCh38, 1-based): chr8:116,854,360, G>A on the plus strand (C>T on the coding strand, the complement: RAD21 is on the minus strand). VCF-style: chr8-116854360-G-A. GRCh37 (hg19) VCF-style: chr8-117866599-G-A.
Other names: short protein forms T349I.
Identifiers: ClinVar variation 3602966 (VCV003602966.1).